The following is an entry in ClinVar:

NM_182914.3(SYNE2):c.3486A>G (p.Ile1162Met)

Gene: SYNE2 (spectrin repeat containing nuclear envelope protein 2; plus strand). Cytogenetic location: 14q23.2.
Variant type: single nucleotide variant.
Coding change: c.3486A>G on transcript NM_182914.3 (MANE Select); coding-DNA position 3486, A replaced by G.
Protein change: p.Ile1162Met; replaces isoleucine 1162 with methionine.
Molecular consequence: missense variant.
Genome position (GRCh38, 1-based): chr14:64,000,567, A>G. VCF-style: chr14-64000567-A-G. GRCh37 (hg19) VCF-style: chr14-64467285-A-G.
Other names: c.3486A>G, p.Ile1162Met (NM_015180.6); short protein forms I1162M.
Identifiers: ClinVar variation 2836422 (VCV002836422.3), dbSNP rs2550979523, ClinGen allele CA389992253.

ClinVar aggregate classification (germline): Uncertain significance (1 of 4 stars; one submission).

Conditions:
Emery-Dreifuss muscular dystrophy 5, autosomal dominant (EDMD5). Also called: EMERY-DREIFUSS MUSCULAR DYSTROPHY 5. Identifiers: Orphanet 261, MedGen C2751805, MONDO:0013072, OMIM 612999.

Submission:

Labcorp Genetics (formerly Invitae), Labcorp
Classification: Uncertain significance for Emery-Dreifuss muscular dystrophy 5, autosomal dominant. Last evaluated: 2024-07-22. Review status: criteria provided, single submitter. Criteria: Invitae Variant Classification Sherloc (09022015). Collection method: clinical testing. Allele origin: germline.
Comment: This sequence change replaces isoleucine, which is neutral and non-polar, with methionine, which is neutral and non-polar, at codon 1162 of the SYNE2 protein (p.Ile1162Met). This variant is not present in population databases (gnomAD no frequency). This variant has not been reported in the literature in individuals affected with SYNE2-related conditions. An algorithm developed to predict the effect of missense changes on protein structure and function (PolyPhen-2) suggests that this variant is likely to be tolerated. In summary, the available evidence is currently insufficient to determine the role of this variant in disease. Therefore, it has been classified as a Variant of Uncertain Significance.